The following is an entry in ClinVar:

ClinVar aggregate classification (germline): Uncertain significance (1 of 4 stars; one submission).

Submission:

Ambry Genetics
Classification: Uncertain significance. Last evaluated: 2026-01-04. Review status: criteria provided, single submitter. Criteria: Ambry Variant Classification Scheme 2023. Collection method: clinical testing. Allele origin: germline.
Comment: The p.N387S variant (also known as c.1160A>G), located in coding exon 8 of the ATRIP gene, results from an A to G substitution at nucleotide position 1160. The asparagine at codon 387 is replaced by serine, an amino acid with highly similar properties. This amino acid position is conserved. In addition, this alteration is predicted to be tolerated by in silico analysis. Based on the available evidence, the clinical significance of this variant remains unclear.

NM_130384.3(ATRIP):c.1160A>G (p.Asn387Ser)

Genes: ATRIP (ATR interacting protein; plus strand), ATRIP-TREX1 (ATRIP-TREX1 readthrough; plus strand). Cytogenetic location: 3p21.31.
Variant type: single nucleotide variant.
Coding change: c.1160A>G on transcript NM_130384.3 (MANE Select); coding-DNA position 1160, A replaced by G.
Protein change: p.Asn387Ser; replaces asparagine 387 with serine.
Molecular consequence: missense variant. On other transcripts: non-coding transcript variant (1).
Genome position (GRCh38, 1-based): chr3:48,460,214, A>G. VCF-style: chr3-48460214-A-G. GRCh37 (hg19) VCF-style: chr3-48501613-A-G.
Other names: c.779A>G, p.Asn260Ser (NM_001271022.2); c.881A>G, p.Asn294Ser (NM_001271023.2); c.1160A>G, p.Asn387Ser (NM_032166.4); short protein forms N260S, N294S, N387S.
Identifiers: ClinVar variation 4842181 (VCV004842181.1).